The following is an entry in ClinVar:

NM_001243279.3(ACSF3):c.-193-10C>T

Gene: ACSF3 (acyl-CoA synthetase family member 3; plus strand). Cytogenetic location: 16q24.3.
Variant type: single nucleotide variant.
Coding change: c.-193-10C>T on transcript NM_001243279.3 (MANE Select); 10 bases into the intron before 193 bases upstream of the start codon, C replaced by T.
Molecular consequence: intron variant.
Genome position (GRCh38, 1-based): chr16:89,098,581, C>T. VCF-style: chr16-89098581-C-T. GRCh37 (hg19) VCF-style: chr16-89164989-C-T.
Other names: c.-20-2081C>T (NM_001127214.4); c.-193-10C>T (NM_174917.5); c.-129-4023C>T (NM_001284316.2).
Identifiers: ClinVar variation 4686115 (VCV004686115.1).

ClinVar aggregate classification (germline): Uncertain significance (1 of 4 stars; one submission).

Submission:

GeneDx
Classification: Uncertain significance. Last evaluated: 2025-07-14. Review status: criteria provided, single submitter. Criteria: GeneDx Variant Classification Process June 2021. Collection method: clinical testing. Allele origin: germline. Affected: yes.
Comment: Not observed at significant frequency in large population cohorts (gnomAD); In silico analysis suggests that this variant does not alter splicing; Has not been previously published as pathogenic or benign to our knowledge